The following is an entry in ClinVar:

ClinVar aggregate classification (germline): Likely benign. Review status: criteria provided, multiple submitters, no conflicts (2 of 4 stars). 2 submissions from 2 submitters: Likely benign (2). Last evaluated 2024-02-01.

gnomAD v4.1: 9 of 1,612,908 alleles (0.00056%); highest among the groups gnomAD compares: Non-Finnish European, 0.00076%; no homozygotes.

Submissions (2):

CeGaT Center for Human Genetics Tuebingen
Classification: Likely benign. Last evaluated: 2024-02-01. Review status: criteria provided, single submitter. Criteria: CeGaT Center For Human Genetics Tuebingen Variant Classification Criteria Version 2. Collection method: clinical testing. Allele origin: germline. Affected: yes. Observed: 1 variant allele.
Comment: SALL4: PM2:Supporting, BP4, BP7

Blueprint Genetics
Classification: Likely benign. Last evaluated: 2022-08-19. Review status: criteria provided, single submitter. Criteria: ACMG Guidelines, 2015. Collection method: clinical testing. Allele origin: germline.

NM_020436.5(SALL4):c.213G>T (p.Thr71=)

Gene: SALL4 (spalt like transcription factor 4; minus strand). Cytogenetic location: 20q13.2.
Variant type: single nucleotide variant.
Coding change: c.213G>T on transcript NM_020436.5 (MANE Select); coding-DNA position 213, G replaced by T.
Protein change: p.Thr71=; no amino-acid change (threonine 71 retained).
Molecular consequence: synonymous variant.
Genome position (GRCh38, 1-based): chr20:51,792,270, C>A on the plus strand (G>T on the coding strand, the complement: SALL4 is on the minus strand). VCF-style: chr20-51792270-C-A. GRCh37 (hg19) VCF-style: chr20-50408809-C-A.
Other names: c.213G>T, p.Thr71= (NM_001318031.2).
Identifiers: ClinVar variation 3026035 (VCV003026035.23), dbSNP rs141479802, ClinGen allele CA511027208.